The following is an entry in ClinVar:

ClinVar aggregate classification (germline): Uncertain significance. Review status: criteria provided, multiple submitters, no conflicts (2 of 4 stars). 3 submissions from 3 submitters: Uncertain significance (3). Last evaluated 2025-09-02.

Conditions:
Paramyotonia congenita of Von Eulenburg. Also called: PARALYSIS PERIODICA PARAMYOTONICA; Paramyotonia Congenita; Eulenburg disease; Myotonia congenita intermittens; Von Eulenburg paramyotonia congenita. Identifiers: Orphanet 684, MedGen C0221055, MONDO:0008195, OMIM 168300. Disease mechanism: loss of function.
Congenital myasthenic syndrome 16. Identifiers: Orphanet 590, MedGen C3280112, MONDO:0013620, OMIM 614198.
Potassium-aggravated myotonia. Also called: MYOTONIA CONGENITA, ACETAZOLAMIDE-RESPONSIVE; MYOTONIA CONGENITA, ATYPICAL; SODIUM CHANNEL MUSCLE DISEASE; Myotonia congenita, atypical, acetazolamide-responsive. Identifiers: Orphanet 612, Orphanet 99734, Orphanet 99735, Orphanet 99736, MedGen C2931826, MONDO:0018959, OMIM 608390.
Hypokalemic periodic paralysis, type 2 (HOKPP2). Identifiers: Orphanet 681, MedGen C2750061, MONDO:0013234, OMIM 613345.
Hyperkalemic periodic paralysis. Also called: Familial hyperkalemic periodic paralysis; Gamstorp disease. Identifiers: Orphanet 682, MedGen C0238357, MONDO:0008224, OMIM 170500, HP:0007215.
Congenital myopathy 22A, classic (CMYO22A). Identifiers: MedGen C5830453, MONDO:0957247, OMIM 620351.
Congenital myopathy 22B, severe fetal (CMYO22B). Identifiers: MedGen C5830501, MONDO:0957265, OMIM 620369.
Inborn genetic diseases. Identifiers: MedGen C0950123, MeSH D030342.

Allele frequency attached by ClinVar (database versions not stated): gnomAD 0.00001; ExAC 0.00002; gnomAD exomes 0.00003 and 0.00002; TOPMed 0.00003.
gnomAD v4.1: 12 of 1,601,582 alleles (0.00075%); highest among the groups gnomAD compares: Admixed American, 0.02%; no homozygotes.

Submissions (3):

Labcorp Genetics (formerly Invitae), Labcorp
Classification: Uncertain significance for Hyperkalemic periodic paralysis. Last evaluated: 2025-09-02. Review status: criteria provided, single submitter. Criteria: Invitae Variant Classification Sherloc (09022015). Collection method: clinical testing. Allele origin: germline.
Comment: This sequence change replaces alanine, which is neutral and non-polar, with valine, which is neutral and non-polar, at codon 997 of the SCN4A protein (p.Ala997Val). This variant is present in population databases (rs760962949, gnomAD 0.02%). This variant has not been reported in the literature in individuals affected with SCN4A-related conditions. ClinVar contains an entry for this variant (Variation ID: 1347972). Invitae Evidence Modeling of protein sequence and biophysical properties (such as structural, functional, and spatial information, amino acid conservation, physicochemical variation, residue mobility, and thermodynamic stability) indicates that this missense variant is not expected to disrupt SCN4A protein function with a negative predictive value of 95%. In summary, the available evidence is currently insufficient to determine the role of this variant in disease. Therefore, it has been classified as a Variant of Uncertain Significance.

Ambry Genetics
Classification: Uncertain significance for Inborn genetic diseases. Last evaluated: 2024-12-23. Review status: criteria provided, single submitter. Criteria: Ambry Variant Classification Scheme 2023. Collection method: clinical testing. Allele origin: germline.

Fulgent Genetics
Classification: Uncertain significance for Paramyotonia congenita of Von Eulenburg; Hyperkalemic periodic paralysis; Potassium-aggravated myotonia; Hypokalemic periodic paralysis, type 2; Congenital myasthenic syndrome 16; Congenital myopathy 22A, classic; Congenital myopathy 22B, severe fetal. Last evaluated: 2024-05-02. Review status: criteria provided, single submitter. Criteria: ACMG Guidelines, 2015. Collection method: clinical testing. Allele origin: germline.

NM_000334.4(SCN4A):c.2990C>T (p.Ala997Val)

Genes: GH-LCR (growth hormone locus control region; plus strand), SCN4A (sodium voltage-gated channel alpha subunit 4; minus strand). Cytogenetic location: 17q23.3.
Variant type: single nucleotide variant.
Coding change: c.2990C>T on transcript NM_000334.4 (MANE Select); coding-DNA position 2990, C replaced by T.
Protein change: p.Ala997Val; replaces alanine 997 with valine.
Molecular consequence: missense variant.
Genome position (GRCh38, 1-based): chr17:63,948,765, G>A on the plus strand (C>T on the coding strand, the complement: SCN4A is on the minus strand). VCF-style: chr17-63948765-G-A. GRCh37 (hg19) VCF-style: chr17-62026125-G-A.
Other names: short protein forms A997V.
Identifiers: ClinVar variation 1347972 (VCV001347972.11), dbSNP rs760962949, ClinGen allele CA8709423.